The following is an entry in ClinVar:

NM_205836.3(FBXO38):c.1154G>T (p.Gly385Val)

Gene: FBXO38 (F-box protein 38; plus strand). Cytogenetic location: 5q32.
Variant type: single nucleotide variant.
Coding change: c.1154G>T on transcript NM_205836.3 (MANE Select); coding-DNA position 1154, G replaced by T.
Protein change: p.Gly385Val; replaces glycine 385 with valine.
Molecular consequence: missense variant.
Genome position (GRCh38, 1-based): chr5:148,414,196, G>T. VCF-style: chr5-148414196-G-T. GRCh37 (hg19) VCF-style: chr5-147793759-G-T.
Other names: c.1154G>T, p.Gly385Val (NM_001271723.2, NM_030793.5); short protein forms G385V.
Identifiers: ClinVar variation 541008 (VCV000541008.1), dbSNP rs1554080059, ClinGen allele CA361658693.
Genomic context (GRCh38, chr5:148,414,196, plus strand): 5'-GCAGAATGGCTAATGCGGATCTGGTGAAGTATGGTTTGGCTGATGTGGTAGAAAATCCTG[G>T]TATCATCACTGATATAGGGATGAAAGCAGTCAATGAAGTTTTTTCCTGTATCAAATATCT-3'
Protein context (NP_995308.1, residues 375-395): YGLADVVENP[Gly385Val]IITDIGMKAV

ClinVar aggregate classification (germline): Uncertain significance (1 of 4 stars; one submission).

Conditions:
Neuronopathy, distal hereditary motor, type 2D. Also called: HMN IID; SPINAL MUSCULAR ATROPHY, DISTAL, AUTOSOMAL DOMINANT, CALF-PREDOMINANT; NEURONOPATHY, DISTAL HEREDITARY MOTOR, AUTOSOMAL DOMINANT 6; NEURONOPATHY, DISTAL HEREDITARY MOTOR, HARDING TYPE IID; NEUROPATHY, DISTAL HEREDITARY MOTOR, HARDING TYPE IID. Identifiers: Orphanet 139525, MedGen C3888271, MONDO:0014259, OMIM 615575.

Submission:

Labcorp Genetics (formerly Invitae), Labcorp
Classification: Uncertain significance for Distal hereditary motor neuropathy type 2. Last evaluated: 2017-10-02. Review status: criteria provided, single submitter. Criteria: Invitae Variant Classification Sherloc (09022015). Collection method: clinical testing. Allele origin: germline.
Comment: This sequence change replaces glycine with valine at codon 385 of the FBXO38 protein (p.Gly385Val). The glycine residue is moderately conserved and there is a moderate physicochemical difference between glycine and valine. This variant is not present in population databases (ExAC no frequency). This variant has not been reported in the literature in individuals with FBXO38-related disease. Algorithms developed to predict the effect of missense changes on protein structure and function do not agree on the potential impact of this missense change (SIFT: "Deleterious"; PolyPhen-2: "Benign"; Align-GVGD: "Class C0"). In summary, the available evidence is currently insufficient to determine the role of this variant in disease. Therefore, it has been classified as a Variant of Uncertain Significance.